The following is an entry in ClinVar:

ClinVar aggregate classification (germline): Uncertain significance. Review status: criteria provided, multiple submitters, no conflicts (2 of 4 stars). 2 submissions from 2 submitters: Uncertain significance (2). Last evaluated 2026-08-09.

Conditions:
KCNQ4-related disorder. Also called: KCNQ4-related condition.
Inborn genetic diseases. Identifiers: MedGen C0950123, MeSH D030342.

gnomAD v4.1: 31 of 1,603,332 alleles (0.0019%); highest among the groups gnomAD compares: Non-Finnish European, 0.0026%; no homozygotes.

Submissions (2):

PreventionGenetics, part of Exact Sciences
Classification: Uncertain significance for KCNQ4-related condition. Last evaluated: 2026-08-09. Review status: criteria provided, single submitter. Criteria: ACMG Guidelines, 2015. Collection method: clinical testing. Allele origin: germline.
Comment: The KCNQ4 c.578C>G variant is predicted to result in the amino acid substitution p.Thr193Ser. To our knowledge, this variant has not been reported in the literature. This variant is reported in 0.0018% of alleles in individuals of European (Non-Finnish) descent in gnomAD. At this time, the clinical significance of this variant is uncertain due to the absence of conclusive functional and genetic evidence.

Ambry Genetics
Classification: Uncertain significance for Inborn genetic diseases. Last evaluated: 2025-12-03. Review status: criteria provided, single submitter. Criteria: Ambry Variant Classification Scheme 2023. Collection method: clinical testing. Allele origin: germline.

NM_004700.4(KCNQ4):c.578C>G (p.Thr193Ser)

Genes: KCNQ4 (potassium voltage-gated channel subfamily Q member 4; plus strand), LOC129930282 (ATAC-STARR-seq lymphoblastoid active region 855; plus strand). Cytogenetic location: 1p34.2.
Variant type: single nucleotide variant.
Coding change: c.578C>G on transcript NM_004700.4 (MANE Select); coding-DNA position 578, C replaced by G.
Protein change: p.Thr193Ser; replaces threonine 193 with serine.
Molecular consequence: missense variant.
Genome position (GRCh38, 1-based): chr1:40,818,550, C>G. VCF-style: chr1-40818550-C-G. GRCh37 (hg19) VCF-style: chr1-41284222-C-G.
Other names: c.578C>G, p.Thr193Ser (NM_172163.3); short protein forms T193S.
Identifiers: ClinVar variation 4622569 (VCV004622569.2).